The following is an entry in ClinVar:

ClinVar aggregate classification (germline): Uncertain significance (1 of 4 stars; one submission).

Submission:

Labcorp Genetics (formerly Invitae), Labcorp
Classification: Uncertain significance. Last evaluated: 2025-07-27. Review status: criteria provided, single submitter. Criteria: Invitae Variant Classification Sherloc (09022015). Collection method: clinical testing. Allele origin: germline.
Comment: This sequence change replaces methionine, which is neutral and non-polar, with valine, which is neutral and non-polar, at codon 271 of the ARCN1 protein (p.Met271Val). This variant is not present in population databases (gnomAD no frequency). This variant has not been reported in the literature in individuals affected with ARCN1-related conditions. An algorithm developed to predict the effect of missense changes on protein structure and function (PolyPhen-2) suggests that this variant is likely to be tolerated. In summary, the available evidence is currently insufficient to determine the role of this variant in disease. Therefore, it has been classified as a Variant of Uncertain Significance.

NM_001655.5(ARCN1):c.811A>G (p.Met271Val)

Gene: ARCN1 (archain 1 coat protein complex I subunit delta; plus strand). Cytogenetic location: 11q23.3.
Variant type: single nucleotide variant.
Coding change: c.811A>G on transcript NM_001655.5 (MANE Select); coding-DNA position 811, A replaced by G.
Protein change: p.Met271Val; replaces methionine 271 with valine.
Molecular consequence: missense variant. On other transcripts: non-coding transcript variant (2), intron variant (1).
Genome position (GRCh38, 1-based): chr11:118,584,637, A>G. VCF-style: chr11-118584637-A-G. GRCh37 (hg19) VCF-style: chr11-118455352-A-G.
Other names: c.547A>G, p.Met183Val (NM_001142281.2, NM_001425081.1); c.811A>G, p.Met271Val (NM_001425073.1, NM_001425078.1); c.808A>G, p.Met270Val (NM_001425074.1, NM_001425079.1); c.754A>G, p.Met252Val (NM_001425075.1); c.742A>G, p.Met248Val (NM_001425076.1); c.367A>G, p.Met123Val (NM_001425080.1); c.653+623A>G (NM_001425077.1); short protein forms M123V, M183V, M252V, M271V, M248V, M270V.
Identifiers: ClinVar variation 4723771 (VCV004723771.1).